The following is an entry in ClinVar:

NM_001377.3(DYNC2H1):c.11293C>T (p.Gln3765Ter)

Gene: DYNC2H1 (dynein cytoplasmic 2 heavy chain 1; plus strand). Cytogenetic location: 11q22.3.
Variant type: single nucleotide variant.
Coding change: c.11293C>T on transcript NM_001377.3 (MANE Select); coding-DNA position 11293, C replaced by T.
Protein change: p.Gln3765Ter; replaces glutamine 3765 with a stop codon.
Molecular consequence: nonsense.
Genome position (GRCh38, 1-based): chr11:103,304,631, C>T. VCF-style: chr11-103304631-C-T. GRCh37 (hg19) VCF-style: chr11-103175360-C-T.
Other names: c.11314C>T, p.Gln3772Ter (NM_001080463.2); short protein forms Q3772*, Q3765*.
Identifiers: ClinVar variation 2748500 (VCV002748500.4), dbSNP rs755672814, ClinGen allele CA6255222.

ClinVar aggregate classification (germline): Pathogenic. Review status: criteria provided, multiple submitters, no conflicts (2 of 4 stars). 2 submissions from 2 submitters: Pathogenic (2). Last evaluated 2025-03-29.

Conditions:
Jeune thoracic dystrophy. Also called: Jeune syndrome; Infantile thoracic dystrophy; Thoracic pelvic phalangeal dystrophy; Jeune's syndrome; Chondroectodermal dysplasia-like syndrome; Short-rib thoracic dysplasia. Identifiers: Orphanet 474, MedGen C0265275, MONDO:0018770.
Asphyxiating thoracic dystrophy 3. Also called: Saldino-Noonan Syndrome; SHORT-RIB THORACIC DYSPLASIA 3 WITH OR WITHOUT POLYDACTYLY; POLYDACTYLY WITH NEONATAL CHONDRODYSTROPHY, TYPE I; SHORT-RIB THORACIC DYSPLASIA 3/6 WITH POLYDACTYLY, DIGENIC; Short rib polydactyly syndrome 2B. Identifiers: Orphanet 474, Orphanet 93269, Orphanet 93270, Orphanet 93271, MedGen C0036069, MONDO:0013127, OMIM 613091.

Allele frequency attached by ClinVar (database versions not stated): gnomAD exomes below 0.00001; ExAC 0.00001.
gnomAD v4.1: 2 of 1,613,226 alleles (0.00012%); highest among the groups gnomAD compares: Non-Finnish European, 0.00017%; no homozygotes.

Submissions (2):

Myriad Genetics, Inc.
Classification: Pathogenic for Asphyxiating thoracic dystrophy 3. Last evaluated: 2025-03-29. Review status: criteria provided, single submitter. Criteria: Myriad Autosomal Dominant, Autosomal Recessive and X-Linked Classification Criteria (2023). Collection method: clinical testing. Allele origin: unknown.
Comment: NM_001377.2(DYNC2H1):c.11293C>T(Q3765*) is expected to be pathogenic in the context of DYNC2H1-related disorders. This variant is predicted to lead to an abnormal or absent protein product due to the creation of a premature termination codon in DYNC2H1, a gene where loss-of-function variants are known to be pathogenic. Please note: this variant was assessed in the context of healthy population screening.

Labcorp Genetics (formerly Invitae), Labcorp
Classification: Pathogenic for Jeune thoracic dystrophy. Last evaluated: 2023-07-30. Review status: criteria provided, single submitter. Criteria: Invitae Variant Classification Sherloc (09022015). Collection method: clinical testing. Allele origin: germline.
Comment: For these reasons, this variant has been classified as Pathogenic. This variant has not been reported in the literature in individuals affected with DYNC2H1-related conditions. This variant is present in population databases (rs755672814, gnomAD 0.0009%). This sequence change creates a premature translational stop signal (p.Gln3772*) in the DYNC2H1 gene. It is expected to result in an absent or disrupted protein product. Loss-of-function variants in DYNC2H1 are known to be pathogenic (PMID: 23339108, 32753734, 33755199).

Literature cited by the submitters: PubMed 23339108 (cited by Labcorp Genetics (formerly Invitae), Labcorp); PubMed 32753734 (cited by Labcorp Genetics (formerly Invitae), Labcorp); PubMed 33755199 (cited by Labcorp Genetics (formerly Invitae), Labcorp).